The following is an entry in ClinVar:

ClinVar aggregate classification (germline): Uncertain significance. Review status: criteria provided, multiple submitters, no conflicts (2 of 4 stars). 3 submissions from 3 submitters: Uncertain significance (3). Last evaluated 2026-06-24.

Conditions:
MYH7B-related disorder. Also called: MYH7B-related condition.

gnomAD v4.1: 65 of 1,609,186 alleles (0.004%); highest among the groups gnomAD compares: Non-Finnish European, 0.0049%; no homozygotes.

Submissions (3):

PreventionGenetics, part of Exact Sciences
Classification: Uncertain significance for MYH7B-related condition. Last evaluated: 2026-06-24. Review status: criteria provided, single submitter. Criteria: ACMG Guidelines, 2015. Collection method: clinical testing. Allele origin: germline.
Comment: The MYH7B c.2756G>A variant is predicted to result in the amino acid substitution p.Arg919His. To our knowledge, this variant has not been reported in the literature. This variant is reported in 0.015% of alleles in individuals of East Asian descent in gnomAD. At this time, the clinical significance of this variant is uncertain due to the absence of conclusive functional and genetic evidence.

Labcorp Genetics (formerly Invitae), Labcorp
Classification: Uncertain significance. Last evaluated: 2025-04-11. Review status: criteria provided, single submitter. Criteria: Invitae Variant Classification Sherloc (09022015). Collection method: clinical testing. Allele origin: germline.
Comment: This sequence change replaces arginine, which is basic and polar, with histidine, which is basic and polar, at codon 919 of the MYH7B protein (p.Arg919His). This variant is present in population databases (rs763806600, gnomAD 0.02%). This variant has not been reported in the literature in individuals affected with MYH7B-related conditions. ClinVar contains an entry for this variant (Variation ID: 3400966). Invitae Evidence Modeling of protein sequence and biophysical properties (such as structural, functional, and spatial information, amino acid conservation, physicochemical variation, residue mobility, and thermodynamic stability) indicates that this missense variant is expected to disrupt MYH7B protein function with a positive predictive value of 80%. In summary, the available evidence is currently insufficient to determine the role of this variant in disease. Therefore, it has been classified as a Variant of Uncertain Significance.

Ambry Genetics
Classification: Uncertain significance. Last evaluated: 2024-08-14. Review status: criteria provided, single submitter. Criteria: Ambry Variant Classification Scheme 2023. Collection method: clinical testing. Allele origin: germline.

NM_020884.7(MYH7B):c.2630G>A (p.Arg877His)

Gene: MYH7B (myosin heavy chain 7B; plus strand). Cytogenetic location: 20q11.22.
Variant type: single nucleotide variant.
Coding change: c.2630G>A on transcript NM_020884.7 (MANE Select); coding-DNA position 2630, G replaced by A.
Protein change: p.Arg877His; replaces arginine 877 with histidine.
Molecular consequence: missense variant.
Genome position (GRCh38, 1-based): chr20:34,994,331, G>A. VCF-style: chr20-34994331-G-A. GRCh37 (hg19) VCF-style: chr20-33582134-G-A.
Other names: c.2756G>A (NM_020884.4); short protein forms R877H.
Identifiers: ClinVar variation 3400966 (VCV003400966.3).